The following is an entry in ClinVar:

ClinVar aggregate classification (germline): Uncertain significance. Review status: criteria provided, multiple submitters, no conflicts (2 of 4 stars). 3 submissions from 3 submitters: Uncertain significance (3). Last evaluated 2025-02-28.

Conditions:
Hypertrophic cardiomyopathy. Also called: HYPERTROPHIC MYOCARDIOPATHY. Identifiers: Orphanet 217569, MedGen C0007194, MeSH D002312, MONDO:0005045, HP:0001639.
Cardiovascular phenotype. Identifiers: MedGen CN230736.
Cardiomyopathy (CMYO). Also called: Cardiomyopathies. Identifiers: Orphanet 167848, MedGen C0878544, MONDO:0004994, HP:0001638. Inheritance: Various modes of inheritance.

Allele frequency attached by ClinVar (database versions not stated): TOPMed below 0.00001.

Submissions (3):

Labcorp Genetics (formerly Invitae), Labcorp
Classification: Uncertain significance for Hypertrophic cardiomyopathy. Last evaluated: 2025-02-28. Review status: criteria provided, single submitter. Criteria: Invitae Variant Classification Sherloc (09022015). Collection method: clinical testing. Allele origin: germline.
Comment: This sequence change replaces proline, which is neutral and non-polar, with threonine, which is neutral and polar, at codon 295 of the MYH7 protein (p.Pro295Thr). This variant is present in population databases (no rsID available, gnomAD 0.007%). This missense change has been observed in individual(s) with congenital muscular dystrophy (internal data). ClinVar contains an entry for this variant (Variation ID: 407203). Invitae Evidence Modeling of protein sequence and biophysical properties (such as structural, functional, and spatial information, amino acid conservation, physicochemical variation, residue mobility, and thermodynamic stability) indicates that this missense variant is expected to disrupt MYH7 protein function with a positive predictive value of 95%. In summary, the available evidence is currently insufficient to determine the role of this variant in disease. Therefore, it has been classified as a Variant of Uncertain Significance.

All of Us Research Program, National Institutes of Health
Classification: Uncertain significance for Cardiomyopathy. Last evaluated: 2023-11-02. Review status: criteria provided, single submitter. Criteria: ACMG Guidelines, 2015. Collection method: clinical testing. Allele origin: germline. Inheritance: Autosomal dominant inheritance. Observed: 1 variant allele, 1 heterozygote.
Comment: This missense variant replaces proline with threonine at codon 295 of the MYH7 protein. This variant is found within a highly conserved region of the myosin head domain. Missense variants in this region have been shown to be significantly overrepresented in individuals with hypertrophic cardiomyopathy (PMID: 27532257). Computational prediction suggests that this variant may have deleterious impact on protein structure and function (internally defined REVEL score threshold >= 0.7, PMID: 27666373). To our knowledge, functional studies have not been reported for this variant. This variant has not been reported in individuals affected with MYH7-related disorders in the literature. This variant has not been identified in the general population by the Genome Aggregation Database (gnomAD). The available evidence is insufficient to determine the role of this variant in disease conclusively. Therefore, this variant is classified as a Variant of Uncertain Significance.

This study involves interpretation of variants in research participants for the purpose of population health screening. Participant phenotype was not available at the time of variant classification. Additional details can be found in publication PMID: 35346344, PMCID: PMC8962531

Ambry Genetics
Classification: Uncertain significance for Cardiovascular phenotype. Last evaluated: 2021-05-28. Review status: criteria provided, single submitter. Criteria: Ambry Variant Classification Scheme 2023. Collection method: clinical testing. Allele origin: germline.
Comment: The p.P295T variant (also known as c.883C>A), located in coding exon 8 of the MYH7 gene, results from a C to A substitution at nucleotide position 883. The proline at codon 295 is replaced by threonine, an amino acid with highly similar properties. This alteration is located in the myosin head domain, which contains a statistically significant clustering of pathogenic missense variants (Homburger JR et al. Proc Natl Acad Sci U S A, 2016 06;113:6701-6; Walsh R et al. Genet Med, 2017 02;19:192-203; Ambry internal data). This amino acid position is highly conserved in available vertebrate species. In addition, the in silico prediction for this alteration is inconclusive. Since supporting evidence is limited at this time, the clinical significance of this alteration remains unclear.

Literature cited by the submitters: PubMed 27532257 (cited by All of Us Research Program, National Institutes of Health).

NM_000257.4(MYH7):c.883C>A (p.Pro295Thr)

Gene: MYH7 (myosin heavy chain 7; minus strand). Cytogenetic location: 14q11.2.
Variant type: single nucleotide variant.
Coding change: c.883C>A on transcript NM_000257.4 (MANE Select); coding-DNA position 883, C replaced by A.
Protein change: p.Pro295Thr; replaces proline 295 with threonine.
Molecular consequence: missense variant.
Genome position (GRCh38, 1-based): chr14:23,430,913, G>T on the plus strand (C>A on the coding strand, the complement: MYH7 is on the minus strand). VCF-style: chr14-23430913-G-T. GRCh37 (hg19) VCF-style: chr14-23900122-G-T.
Other names: short protein forms P295T.
Identifiers: ClinVar variation 407203 (VCV000407203.11), dbSNP rs1060501453, ClinGen allele CA16614498.